The following is an entry in ClinVar:

ClinVar aggregate classification (germline): Uncertain significance. Review status: criteria provided, multiple submitters, no conflicts (2 of 4 stars). 2 submissions from 2 submitters: Uncertain significance (2). Last evaluated 2025-12-26.

gnomAD v4.1: 50 of 1,613,364 alleles (0.0031%); highest among the groups gnomAD compares: South Asian, 0.0088%; no homozygotes.

Submissions (2):

Women's Health and Genetics/Laboratory Corporation of America, LabCorp
Classification: Uncertain significance. Last evaluated: 2025-12-26. Review status: criteria provided, single submitter. Criteria: LabCorp Variant Classification Summary - May 2015. Collection method: clinical testing. Allele origin: germline.
Comment: Variant summary: TNXB c.9179G>A (p.Arg3060His) results in a non-conservative amino acid change in the encoded protein sequence. Algorithms developed to predict the effect of missense changes on protein structure and function are either unavailable or do not agree on the potential impact of this missense change. The variant allele was found at a frequency of 4.1e-06 in 246062 control chromosomes. The available data on variant occurrences in the general population are insufficient to allow any conclusion about variant significance. To our knowledge, no occurrence of c.9179G>A in individuals affected with TNXB-related conditions and no experimental evidence demonstrating its impact on protein function have been reported. ClinVar contains an entry for this variant (Variation ID: 1303623). Based on the evidence outlined above, the variant was classified as uncertain significance.

GeneDx
Classification: Uncertain significance. Last evaluated: 2019-04-04. Review status: criteria provided, single submitter. Criteria: GeneDx Variant Classification Process June 2021. Collection method: clinical testing. Allele origin: germline. Affected: yes.
Comment: Not observed at a significant frequency in large population cohorts (Lek et al., 2016); In silico analysis, which includes protein predictors and evolutionary conservation, supports that this variant does not alter protein structure/function; Has not been previously published as pathogenic or benign to our knowledge

NM_001365276.2(TNXB):c.9185G>A (p.Arg3062His)

Gene: TNXB (tenascin XB; minus strand). Cytogenetic location: 6p21.33.
Variant type: single nucleotide variant.
Coding change: c.9185G>A on transcript NM_001365276.2 (MANE Select); coding-DNA position 9185, G replaced by A.
Protein change: p.Arg3062His; replaces arginine 3062 with histidine.
Molecular consequence: missense variant.
Genome position (GRCh38, 1-based): chr6:32,050,252, C>T on the plus strand (G>A on the coding strand, the complement: TNXB is on the minus strand). VCF-style: chr6-32050252-C-T. GRCh37 (hg19) VCF-style: chr6-32018029-C-T.
Other names: c.9179G>A, p.Arg3060His (NM_019105.8); short protein forms R3060H, R3062H.
Identifiers: ClinVar variation 1303623 (VCV001303623.3), dbSNP rs769949134, ClinGen allele CA363541623.